The following is an entry in ClinVar:

GRCh37/hg19 22q11.21(chr22:18873001-21469900)

Genes: AIFM3 (AIF family member 3; plus strand), ARVCF (ARVCF delta catenin family member; minus strand), C22orf39 (chromosome 22 open reading frame 39; minus strand), CDC45 (cell division cycle 45; plus strand), CLDN5 (claudin 5; minus strand) and 42 more. Cytogenetic location: 22q11.21.
Variant type: copy number gain.
Identifiers: ClinVar variation 1172811 (VCV001172811.1).

ClinVar aggregate classification (germline): Pathogenic (1 of 4 stars; one submission).

Conditions:
Cerebral palsy. Identifiers: MedGen C0007789, MONDO:0006497, HP:0100021.

Submission:

Neurogenetics Research Program, University of Adelaide
Classification: Pathogenic for Cerebral palsy. Last evaluated: 2021-06-10. Review status: criteria provided, single submitter. Criteria: ACMG Guidelines, 2015. Collection method: research. Allele origin: unknown. Affected: yes. Observed: 1 variant allele.
Comment: Overlapping duplications reported previously in cerebral palsy cohorts (PMID: 25817843, PMID: 30564460, PMID: 28771244)